The following is an entry in ClinVar:

ClinVar aggregate classification (germline): Pathogenic. Review status: reviewed by expert panel (3 of 4 stars). 6 submissions from 6 submitters: Pathogenic (1). 5 of the submissions do not count toward it. Last evaluated 2016-09-08.

Conditions:
Hereditary cancer-predisposing syndrome. Also called: Tumor predisposition; Neoplastic Syndromes, Hereditary; Hereditary Cancer Syndrome; Hereditary neoplastic syndrome. Identifiers: Orphanet 140162, MedGen C0027672, MeSH D009386, MONDO:0015356.
Hereditary breast ovarian cancer syndrome. Also called: Hereditary breast and ovarian cancer syndrome (HBOC); Hereditary breast and ovarian cancer syndrome; Hereditary breast and ovarian cancer; Hereditary breast and/or ovarian cancer syndrome; Breast and ovarian cancer; BRCA1- and BRCA2-Associated Hereditary Breast and Ovarian Cancer. Identifiers: Orphanet 145, MedGen C0677776, MeSH D061325, MONDO:0003582. Disease mechanism: loss of function.
Breast-ovarian cancer, familial, susceptibility to, 2 (BROVCA2). Also called: BRCA2 Hereditary Breast and Ovarian Cancer. Identifiers: Orphanet 145, MedGen C2675520, MONDO:0012933, OMIM 612555. Disease mechanism: loss of function.
Breast-ovarian cancer, familial, susceptibility to, 1 (BROVCA1). Also called: OVARIAN CANCER, SUSCEPTIBILITY TO; BRCA1 Hereditary Breast and Ovarian Cancer. Identifiers: Orphanet 145, MedGen C2676676, MONDO:0011450, OMIM 604370. Disease mechanism: loss of function.

Submissions (6):

Evidence-based Network for the Interpretation of Germline Mutant Alleles (ENIGMA)
Classification: Pathogenic for Breast-ovarian cancer, familial, susceptibility to, 2. Last evaluated: 2016-09-08. Review status: reviewed by expert panel. Criteria: ENIGMA BRCA1/2 Classification Criteria (2015). Collection method: curation. Allele origin: germline.
Comment: Variant allele predicted to encode a truncated non-functional protein.

Labcorp Genetics (formerly Invitae), Labcorp
Classification: Pathogenic for Hereditary breast ovarian cancer syndrome. Last evaluated: 2025-09-01. Review status: criteria provided, single submitter. Criteria: Invitae Variant Classification Sherloc (09022015). Collection method: clinical testing. Allele origin: germline. Not counted in ClinVar's aggregate classification.
Comment: This sequence change creates a premature translational stop signal (p.Glu2677Lysfs*17) in the BRCA2 gene. It is expected to result in an absent or disrupted protein product. Loss-of-function variants in BRCA2 are known to be pathogenic (PMID: 20104584). This variant is not present in population databases (gnomAD no frequency). This premature translational stop signal has been observed in individual(s) with breast cancer (PMID: 26187060). ClinVar contains an entry for this variant (Variation ID: 52477). For these reasons, this variant has been classified as Pathogenic.

Ambry Genetics
Classification: Pathogenic for Hereditary cancer-predisposing syndrome. Last evaluated: 2025-07-22. Review status: criteria provided, single submitter. Criteria: Ambry Variant Classification Scheme 2023. Collection method: clinical testing. Allele origin: germline. Not counted in ClinVar's aggregate classification.
Comment: The c.8029delG pathogenic mutation, located in coding exon 17 of the BRCA2 gene, results from a deletion of one nucleotide at nucleotide position 8029, causing a translational frameshift with a predicted alternate stop codon (p.E2677Kfs*17). This alteration is expected to result in loss of function by premature protein truncation or nonsense-mediated mRNA decay. As such, this alteration is interpreted as a disease-causing mutation.

Department of Molecular Diagnostics, Institute of Oncology Ljubljana
Classification: Pathogenic for Breast-ovarian cancer, familial, susceptibility to, 1. Last evaluated: 2020-04-02. Review status: criteria provided, single submitter. Criteria: ACMG Guidelines, 2015. Collection method: clinical testing. Allele origin: germline. Affected: yes. Not counted in ClinVar's aggregate classification.

Consortium of Investigators of Modifiers of BRCA1/2 (CIMBA), c/o University of Cambridge
Classification: Pathogenic for Breast-ovarian cancer, familial, susceptibility to, 2. Last evaluated: 2015-10-02. Review status: criteria provided, single submitter. Criteria: CIMBA Mutation Classification guidelines May 2016. Collection method: clinical testing. Allele origin: germline. Not counted in ClinVar's aggregate classification.

Breast Cancer Information Core (BIC) (BRCA2)
Classification: Pathogenic for Breast-ovarian cancer, familial 2. Last evaluated: 2001-01-17. Review status: no assertion criteria provided. Collection method: clinical testing. Allele origin: germline. Affected: yes. Observed: 2 variant alleles. Not counted in ClinVar's aggregate classification.

Literature cited by the submitters: PubMed 20104584 (cited by Labcorp Genetics (formerly Invitae), Labcorp); PubMed 26187060 (cited by Labcorp Genetics (formerly Invitae), Labcorp).

NM_000059.4(BRCA2):c.8029del (p.Glu2677fs)

Gene: BRCA2 (BRCA2 DNA repair associated; plus strand). Cytogenetic location: 13q13.1.
Variant type: Deletion.
Coding change: c.8029del on transcript NM_000059.4 (MANE Select); coding-DNA position 8029, one base deleted (G; older notation c.8029delG).
Protein change: p.Glu2677fs; shifts the reading frame from glutamic acid 2677.
Molecular consequence: frameshift variant.
Genome position (GRCh38, 1-based): chr13:32,363,231, G deleted; the last of 2 consecutive G bases (chr13:32,363,230-32,363,231); deleting either gives the same sequence. VCF-style (leftmost placement, unchanged base first): chr13-32363229-TG-T. GRCh37 (hg19) VCF-style: chr13-32937366-TG-T.
Other names: 8257delG; c.8029delG (NM_000059.3).
Identifiers: ClinVar variation 52477 (VCV000052477.18), dbSNP rs80359691, ClinGen allele CA025413.